The following is an entry in ClinVar:

ClinVar aggregate classification (germline): Uncertain significance (1 of 4 stars; one submission).

Submission:

Labcorp Genetics (formerly Invitae), Labcorp
Classification: Uncertain significance. Last evaluated: 2022-02-20. Review status: criteria provided, single submitter. Criteria: Invitae Variant Classification Sherloc (09022015). Collection method: clinical testing. Allele origin: germline.
Comment: ClinVar contains an entry for this variant (Variation ID: 1061245). This variant has not been reported in the literature in individuals affected with CTNNA1-related conditions. This variant is not present in population databases (gnomAD no frequency). This sequence change replaces alanine, which is neutral and non-polar, with valine, which is neutral and non-polar, at codon 513 of the CTNNA1 protein (p.Ala513Val). Algorithms developed to predict the effect of missense changes on protein structure and function are either unavailable or do not agree on the potential impact of this missense change (SIFT: "Deleterious"; PolyPhen-2: "Possibly Damaging"; Align-GVGD: "Class C0"). In summary, the available evidence is currently insufficient to determine the role of this variant in disease. Therefore, it has been classified as a Variant of Uncertain Significance.

NM_001903.5(CTNNA1):c.1538C>T (p.Ala513Val)

Gene: CTNNA1 (catenin alpha 1; plus strand). Cytogenetic location: 5q31.2.
Variant type: single nucleotide variant.
Coding change: c.1538C>T on transcript NM_001903.5 (MANE Select); coding-DNA position 1538, C replaced by T.
Protein change: p.Ala513Val; replaces alanine 513 with valine.
Molecular consequence: missense variant.
Genome position (GRCh38, 1-based): chr5:138,917,890, C>T. VCF-style: chr5-138917890-C-T. GRCh37 (hg19) VCF-style: chr5-138253579-C-T.
Other names: c.1538C>T, p.Ala513Val (NM_001290307.3, NM_001323982.2, NM_001323983.1 and 2 more transcripts); c.1229C>T, p.Ala410Val (NM_001290309.3); c.1169C>T, p.Ala390Val (NM_001290310.3); c.428C>T, p.Ala143Val (NM_001290312.1, NM_001323987.1, NM_001323988.1 and 17 more transcripts); c.1445C>T, p.Ala482Val (NM_001323986.2); c.89C>T, p.Ala30Val (NM_001324006.1, NM_001324007.1, NM_001324008.1 and 2 more transcripts); c.335C>T, p.Ala112Val (NM_001324011.1); c.185C>T, p.Ala62Val (NM_001324012.1, NM_001324013.1); short protein forms A112V, A143V, A30V, A390V, A410V, A482V, A513V, A62V.
Identifiers: ClinVar variation 1061245 (VCV001061245.9), dbSNP rs2150234943, ClinGen allele CA361137415.